The following is an entry in ClinVar:

NM_006269.2(RP1):c.2015del (p.Lys672fs)

Gene: RP1 (RP1 axonemal microtubule associated; plus strand). Cytogenetic location: 8q12.1.
Variant type: Deletion.
Coding change: c.2015del on transcript NM_006269.2 (MANE Select); coding-DNA position 2015, one base deleted (A; older notation c.2015delA).
Protein change: p.Lys672fs; shifts the reading frame from lysine 672.
Molecular consequence: frameshift variant. On other transcripts: intron variant (1).
Genome position (GRCh38, 1-based): chr8:54,625,897, A deleted; the last of 5 consecutive A bases (chr8:54,625,893-54,625,897); deleting any one gives the same sequence. VCF-style (leftmost placement, unchanged base first): chr8-54625892-CA-C. GRCh37 (hg19) VCF-style: chr8-55538452-CA-C.
Other names: c.2015delA (NM_006269.1); c.787+3609del (NM_001375654.1); short protein forms K672fs.
Identifiers: ClinVar variation 2834570 (VCV002834570.4), dbSNP rs2129316376, ClinGen allele CA923726313.

ClinVar aggregate classification (germline): Pathogenic. Review status: criteria provided, multiple submitters, no conflicts (2 of 4 stars). 2 submissions from 2 submitters: Pathogenic (2). Last evaluated 2023-07-21.

Conditions:
Retinitis pigmentosa 1 (RP1). Identifiers: Orphanet 791, MedGen C0220701, MONDO:0008377, OMIM 180100.

Submissions (2):

Labcorp Genetics (formerly Invitae), Labcorp
Classification: Pathogenic. Last evaluated: 2023-07-21. Review status: criteria provided, single submitter. Criteria: Invitae Variant Classification Sherloc (09022015). Collection method: clinical testing. Allele origin: germline.
Comment: This variant has not been reported in the literature in individuals affected with RP1-related conditions. For these reasons, this variant has been classified as Pathogenic. This variant disrupts the C-terminus of the RP1 protein. Many variants that disrupt this region have been reported in individuals with either autosomal dominant or autosomal recessive retinitis pigmentosa (PMID: 11527933, 19933189, 29425069, 30027431, 33681214). Therefore, variants that disrupt this region are expected to be disease-causing. This variant is not present in population databases (gnomAD no frequency). This sequence change creates a premature translational stop signal (p.Lys672Argfs*10) in the RP1 gene. While this is not anticipated to result in nonsense mediated decay, it is expected to disrupt the last 1485 amino acid(s) of the RP1 protein.

Victorian Clinical Genetics Services, Murdoch Childrens Research Institute
Classification: Pathogenic for Retinitis pigmentosa 1. Last evaluated: 2020-07-02. Review status: criteria provided, single submitter. Criteria: ACMG Guidelines, 2015. Collection method: clinical testing. Allele origin: germline. Affected: yes.
Comment: Based on the classification scheme VCGS_Germline_v1.1.1, this variant is classified as Pathogenic. Following criteria are met: 0102 - Loss-of-function is a known mechanism of disease for this gene. (N) 0108 - This gene is known to be associated with both recessive and dominant disease. Autosomal dominant inheritance is more commonly reported in the literature, but recessive inheritance has also been described (PMID:22052604). (N) 0112 - Variants in this gene are known to have reduced penetrance (PMID:22052604). (N) 0204 - Variant is predicted to result in a truncated protein with more than 1/3 of the protein affected. (P) 0251 - Variant is heterozygous. (N) 0301 - Variant is absent from gnomAD. (P) 0507 - Identified variant type is not compatible with in-silico predictions of pathogenicity. (N) 0602 - Variant is located in a hotspot region or cluster of pathogenic variants. Variants associated with autosomal dominant disease cluster between residues 500 and 1053, and are not reported elsewhere in the protein (PMID:19933189). (P) 0701 - Comparable variants have very strong previous evidence for pathogenicity. Many variants downstream of this one have been described as pathogenic in ClinVar and the literature (PMID:22052604). (P) 0807 - Variant has not previously been reported in a clinical context. (N) 0905 - No segregation evidence has been identified for this variant. (N) 1007 - No published functional evidence has been identified for this variant. (N) 1102 - Strong phenotype match. (P) 1208 - Inheritance information for this variant is not currently available. (N) Legend: (P) - Pathogenic, (N) - Neutral, (B) - Benign

Literature cited by the submitters: PubMed 11527933 (cited by Labcorp Genetics (formerly Invitae), Labcorp); PubMed 19933189 (cited by Labcorp Genetics (formerly Invitae), Labcorp and Victorian Clinical Genetics Services, Murdoch Childrens Research Institute); PubMed 29425069 (cited by Labcorp Genetics (formerly Invitae), Labcorp); PubMed 30027431 (cited by Labcorp Genetics (formerly Invitae), Labcorp); PubMed 33681214 (cited by Labcorp Genetics (formerly Invitae), Labcorp); PubMed 22052604 (cited by Victorian Clinical Genetics Services, Murdoch Childrens Research Institute).